The following is an entry in ClinVar:

NM_000051.4(ATM):c.7090G>C (p.Ala2364Pro)

Genes: ATM (ATM serine/threonine kinase; plus strand), C11orf65 (chromosome 11 open reading frame 65; minus strand). Cytogenetic location: 11q22.3.
Variant type: single nucleotide variant.
Coding change: c.7090G>C on transcript NM_000051.4 (MANE Select); coding-DNA position 7090, G replaced by C.
Protein change: p.Ala2364Pro; replaces alanine 2364 with proline.
Molecular consequence: missense variant. On other transcripts: intron variant (2).
Genome position (GRCh38, 1-based): chr11:108,329,021, G>C. VCF-style: chr11-108329021-G-C. GRCh37 (hg19) VCF-style: chr11-108199748-G-C.
Other names: c.7090G>C, p.Ala2364Pro (NM_001351834.2); c.641-19950C>G (NM_001330368.2); c.*38+6199C>G (NM_001351110.2); short protein forms A2364P.
Identifiers: ClinVar variation 420728 (VCV000420728.17), dbSNP rs759439613, ClinGen allele CA6266068.

ClinVar aggregate classification (germline): Uncertain significance. Review status: criteria provided, multiple submitters, no conflicts (2 of 4 stars). 3 submissions from 3 submitters: Uncertain significance (3). Last evaluated 2023-03-30.

Conditions:
Hereditary cancer-predisposing syndrome. Also called: Neoplastic Syndromes, Hereditary; Hereditary Cancer Syndrome; Tumor predisposition; Hereditary neoplastic syndrome. Identifiers: Orphanet 140162, MedGen C0027672, MeSH D009386, MONDO:0015356.
Ataxia-telangiectasia syndrome (AT). Also called: LOUIS-BAR SYNDROME; Cerebello-oculocutaneous telangiectasia; Immunodeficiency with ataxia telangiectasia; Ataxia-telangiectasia, complementation group D; AT, COMPLEMENTATION GROUP C; Ataxia-telangiectasia, complementation group E. Identifiers: Orphanet 100, MedGen C0004135, MONDO:0008840, OMIM 208900.

Allele frequency attached by ClinVar (database versions not stated): ExAC 0.00001; gnomAD exomes below 0.00001.

Submissions (3):

Ambry Genetics
Classification: Uncertain significance for Hereditary cancer-predisposing syndrome. Last evaluated: 2023-03-30. Review status: criteria provided, single submitter. Criteria: Ambry Variant Classification Scheme 2023. Collection method: clinical testing. Allele origin: germline.
Comment: The p.A2364P variant (also known as c.7090G>C) is located in coding exon 48 of the ATM gene. The alanine at codon 2364 is replaced by proline, an amino acid with highly similar properties. This change occurs in the first base pair of coding exon 48. This amino acid position is highly conserved in available vertebrate species. In addition, this alteration is predicted to be deleterious by in silico analysis. Since supporting evidence is limited at this time, the clinical significance of this alteration remains unclear.

Labcorp Genetics (formerly Invitae), Labcorp
Classification: Uncertain significance for Ataxia-telangiectasia syndrome. Last evaluated: 2021-12-27. Review status: criteria provided, single submitter. Criteria: Invitae Variant Classification Sherloc (09022015). Collection method: clinical testing. Allele origin: germline.
Comment: This sequence change replaces alanine, which is neutral and non-polar, with proline, which is neutral and non-polar, at codon 2364 of the ATM protein (p.Ala2364Pro). This variant is present in population databases (rs759439613, gnomAD 0.0009%). This variant has not been reported in the literature in individuals affected with ATM-related conditions. ClinVar contains an entry for this variant (Variation ID: 420728). Algorithms developed to predict the effect of missense changes on protein structure and function (SIFT, PolyPhen-2, Align-GVGD) all suggest that this variant is likely to be disruptive. In summary, the available evidence is currently insufficient to determine the role of this variant in disease. Therefore, it has been classified as a Variant of Uncertain Significance.

GeneDx
Classification: Uncertain significance. Last evaluated: 2016-03-21. Review status: criteria provided, single submitter. Criteria: GeneDx Variant Classification (06012015). Collection method: clinical testing. Allele origin: germline. Affected: yes.
Comment: This variant is denoted ATM c.7090G>C at the cDNA level, p.Ala2364Pro (A2364P) at the protein level, and results in the change of an Alanine to a Proline (GCA>CCA). This variant has not, to our knowledge, been published in the literature as pathogenic or benign. ATM Ala2364Pro was not observed in approximately 6,500 individuals of European and African American ancestry in the NHLBI Exome Sequencing Project, suggesting it is not a common benign variant in these populations. Since Alanine and Proline differ in some properties, this is considered a semi-conservative amino acid substitution. ATM Ala2364Pro occurs at a position that is conserved across species and is located in the FAT domain (Tavtigian 2009, Stracker 2013). Protein-based in silico analyses predict that this variant is probably damaging to protein structure and function. In addition, multiple splicing models predict that this variant may damage the nearby natural splice acceptor site. However, in the absence of RNA or functional studies, the actual effect of this variant is unknown. Based on currently available evidence, it is unclear whether ATM Ala2364Pro is a pathogenic or benign variant. We consider it to be a variant of uncertain significance.